The following is an entry in ClinVar:

ClinVar aggregate classification (germline): Likely benign. Review status: criteria provided, single submitter (1 of 4 stars). 2 submissions from 2 submitters: Likely benign (1). 1 of the submissions does not count toward it. Last evaluated 2025-04-10.

Conditions:
SON-related disorder. Also called: SON-related condition.

Allele frequency attached by ClinVar (database versions not stated): ESP Exome Variant Server 0.00008.
gnomAD v4.1: 28 of 1,613,830 alleles (0.0017%); highest among the groups gnomAD compares: Non-Finnish European, 0.0023%; no homozygotes.

Submissions (2):

Labcorp Genetics (formerly Invitae), Labcorp
Classification: Likely benign. Last evaluated: 2025-04-10. Review status: criteria provided, single submitter. Criteria: Invitae Variant Classification Sherloc (09022015). Collection method: clinical testing. Allele origin: germline.

PreventionGenetics, part of Exact Sciences
Classification: Likely benign for SON-related condition. Last evaluated: 2020-01-09. Review status: no assertion criteria provided. Collection method: clinical testing. Allele origin: germline. Not counted in ClinVar's aggregate classification.
Comment: This variant is classified as likely benign based on ACMG/AMP sequence variant interpretation guidelines (Richards et al. 2015 PMID: 25741868, with internal and published modifications).

NM_138927.4(SON):c.3399C>G (p.Thr1133=)

Gene: SON (SON DNA and RNA binding protein; plus strand). Cytogenetic location: 21q22.11.
Variant type: single nucleotide variant.
Coding change: c.3399C>G on transcript NM_138927.4 (MANE Select); coding-DNA position 3399, C replaced by G.
Protein change: p.Thr1133=; no amino-acid change (threonine 1133 retained).
Molecular consequence: synonymous variant. On other transcripts: non-coding transcript variant (1), intron variant (1).
Genome position (GRCh38, 1-based): chr21:33,552,630, C>G. VCF-style: chr21-33552630-C-G. GRCh37 (hg19) VCF-style: chr21-34924936-C-G.
Other names: c.3399C>G, p.Thr1133= (NM_001291411.2, NM_001412133.1, NM_032195.3 and 2 more transcripts); c.245-4526C>G (NM_001291412.3); c.3399C>G (NM_138927.2).
Identifiers: ClinVar variation 2807210 (VCV002807210.5), dbSNP rs148902790, ClinGen allele CA10009289.
Genomic context (GRCh38, chr21:33,552,630, plus strand): 5'-TATGATGTCATCTTATACTGCTGATCGTTCAATGATGTCTATGGCTGCTGATTCTTACAC[C>G]GATTCTTACACTGACACATATACAGAGGCATATATGGTGCCACCTTTGCCTCCTGAAGAG-3'
Protein context (NP_620305.3, residues 1123-1143): SMMSMAADSY[Thr1133=]DSYTDTYTEA